The following is an entry in ClinVar:

NM_005629.4(SLC6A8):c.318CTT[1] (p.Phe107del)

Gene: SLC6A8 (solute carrier family 6 member 8; plus strand). Cytogenetic location: Xq28.
Variant type: Microsatellite.
Coding change: c.318CTT[1] on transcript NM_005629.4 (MANE Select); one copy of the 3-base unit CTT starting at c.318; the reference has two copies in a row; one copy, 3 bases deleted; also written c.321_323del.
Protein change: p.Phe107del; deletes phenylalanine 107.
Molecular consequence: inframe deletion. On other transcripts: 5 prime UTR variant (1).
Genome position (GRCh38, 1-based): chrX:153,690,433-153,690,435, CTT deleted; deleting any 3 consecutive bases within chrX:153,690,428-153,690,435 gives the same sequence; the position shown is the placement nearest the transcript's 3' end. VCF-style (leftmost placement, unchanged base first): chrX-153690427-TTTC-T. GRCh37 (hg19) VCF-style: chrX-152955882-TTTC-T.
Other names: NM_005629.4(SLC6A8):c.318CTT[1]; p.Phe107del; c.318CTT[1], p.Phe107del (NM_001142805.2); c.-28CTT[1] (NM_001142806.1); c.321_323delCTT (NM_005629.3); c.321_323del (NM_005629.4); short protein forms F107del.
Identifiers: ClinVar variation 21448 (VCV000021448.23), dbSNP rs80338739, ClinGen allele CA342090.

ClinVar aggregate classification (germline): Pathogenic. Review status: reviewed by expert panel (3 of 4 stars). 8 submissions from 8 submitters: Pathogenic (1). 7 of the submissions do not count toward it. Last evaluated 2022-06-06.

Conditions:
SLC6A8-related disorder. Also called: SLC6A8-related condition.
Inborn genetic diseases. Identifiers: MedGen C0950123, MeSH D030342.
Creatine transporter deficiency (CCDS1). Also called: Mental retardation , X-linked with seizures, short stature and midface hypoplasia; Mental retardation , X-linked, with creatine transport deficiency; X-linked creatine transporter deficiency; X-linked creatine deficiency syndrome; SLC6A8-Related Creatine Transporter Deficiency; CEREBRAL CREATINE DEFICIENCY SYNDROME 1. Identifiers: Orphanet 52503, MedGen C1845862, MONDO:0010305, OMIM 300352.

Submissions (8):

ClinGen Cerebral Creatine Deficiency Syndromes Variant Curation Expert Panel, ClinGen
Classification: Pathogenic for Creatine transporter deficiency. Last evaluated: 2022-06-06. Review status: reviewed by expert panel. Criteria: ClinGen_CCDS_ACMG_Specifications_SLC6A8_v1.1. Collection method: curation. Allele origin: germline. Inheritance: X-linked inheritance.
Comment: The NM_005629.4(SLC6A8):c.318_320delCTT variant in SLC6A8 is a 3 nucleotide deletion predicted to lead to the in-frame deletion of a single Phenylalanine at amino acid 107 (p.Phe107del). This variant is absent from gnomAD v2.1.1, therefore PM2_Supporting criteria is applicable. Individuals with this variant have been reported in the literature. Individual MB from this family was reported with elevated creatine: creatinine in urine, MRS showing absent creatine and phosphocreatine peak, and is used to fulfill PP4_Strong criteria and therefore not used as PS4 evidence. Segregations from this family are used as PP1 evidence. At least 3 additional affected individuals meeting PP4 criteria have been reported [PMID:19188083, 29435807, 33267903], not including the family from deGrauw. Functional studies have been performed, but do not meet the criteria established for PS3 evidence from the ClinGen Cerebral Creatine Deficiency Syndromes Variant Curation Expert Panel (creatine <125uM creatine used for creatine transport assay) [PMID: 17465020]. There is a ClinVar entry for this variant (Variation ID:21448). In summary, this variant meets the criteria to be classified as a Pathogenic for Creatine Transporter Deficiency based on the ACMG/AMP criteria applied, as specified by the ClinGen Cerebral Creatine Deficiency Syndromes Variant Curation Expert Panel (Specifications Version 1.1.0): PS4, PP4_Strong, PM4, PP1_Moderate, PM2_Supporting. (Classification approved by the ClinGen CCDS VCEP on June 6, 2022).

Labcorp Genetics (formerly Invitae), Labcorp
Classification: Pathogenic for Creatine transporter deficiency. Last evaluated: 2026-01-19. Review status: criteria provided, single submitter. Criteria: Invitae Variant Classification Sherloc (09022015). Collection method: clinical testing. Allele origin: germline. Not counted in ClinVar's aggregate classification.
Comment: This variant, c.321_323del, results in the deletion of 1 amino acid(s) of the SLC6A8 protein (p.Phe107del), but otherwise preserves the integrity of the reading frame. This variant is not present in population databases (gnomAD no frequency). This variant has been observed in individual(s) with clinical and/or biochemical features of creatine transporter deficiency (PMID: 12536364, 12889669, 15154114, 25590979). It has also been observed to segregate with disease in related individuals. This variant is also known as c.316_318delTTC (p.Phe106del). ClinVar contains an entry for this variant (Variation ID: 21448). Algorithms developed to predict the effect of variants on gene product structure and function are not available or were not evaluated for this variant. Experimental studies have shown that this variant affects SLC6A8 function (PMID: 17465020). For these reasons, this variant has been classified as Pathogenic.

Baylor Genetics
Classification: Pathogenic for Creatine transporter deficiency. Last evaluated: 2023-04-23. Review status: criteria provided, single submitter. Criteria: ACMG Guidelines, 2015. Collection method: clinical testing. Allele origin: unknown. Not counted in ClinVar's aggregate classification.

Duke University Health System Sequencing Clinic, Duke University Health System
Classification: Pathogenic for Creatine transporter deficiency. Last evaluated: 2023-04-20. Review status: criteria provided, single submitter. Criteria: ACMG Guidelines, 2015. Collection method: research. Allele origin: maternal. Affected: yes. Not counted in ClinVar's aggregate classification.

GeneDx
Classification: Pathogenic. Last evaluated: 2022-10-11. Review status: criteria provided, single submitter. Criteria: GeneDx Variant Classification Process June 2021. Collection method: clinical testing. Allele origin: germline. Affected: yes. Not counted in ClinVar's aggregate classification.
Comment: Not observed at significant frequency in large population cohorts (gnomAD); Published functional studies demonstrate a damaging effect on creatine uptake (Rosenberg et al., 2007); In silico analysis supports a deleterious effect on protein structure/function; In-frame deletion of 1 amino acids in a non-repeat region; This variant is associated with the following publications: (PMID: 29435807, 34050321, 25590979, 12889669, 12536364, 17465020)

Blueprint Genetics
Classification: Pathogenic for SLC6A8-related disorders. Last evaluated: 2017-10-10. Review status: criteria provided, single submitter. Criteria: ACMG Guidelines, 2015. Collection method: clinical testing. Allele origin: germline. Affected: yes. Observed: 1 variant allele. Not counted in ClinVar's aggregate classification.

Ambry Genetics
Classification: Likely pathogenic for Inborn genetic diseases. Last evaluated: 2017-07-31. Review status: criteria provided, single submitter. Criteria: Ambry exome assertion method (8-5-2015). Collection method: clinical testing. Allele origin: germline. Affected: yes. Observed: 1 variant allele. Not counted in ClinVar's aggregate classification.

GeneReviews
No classification provided. Condition: Creatine transporter deficiency. Review status: no classification provided. Collection method: literature only. Allele origin: unknown. Not counted in ClinVar's aggregate classification.

Literature cited by the submitters: PubMed 12536364 (cited by Labcorp Genetics (formerly Invitae), Labcorp and Ambry Genetics); PubMed 12889669 (cited by Labcorp Genetics (formerly Invitae), Labcorp and Ambry Genetics); PubMed 15154114 (cited by Labcorp Genetics (formerly Invitae), Labcorp); PubMed 25590979 (cited by 3 submitters); PubMed 17465020 (cited by Labcorp Genetics (formerly Invitae), Labcorp and GeneReviews); PubMed 20301745 (cited by GeneReviews); NCBI Bookshelf NBK3794 (cited by GeneReviews).